The following is an entry in ClinVar:

ClinVar aggregate classification (germline): Pathogenic (1 of 4 stars; one submission).

Conditions:
Intellectual developmental disorder, autosomal dominant 56. Also called: MENTAL RETARDATION, AUTOSOMAL DOMINANT 56; Intellectual disability, autosomal dominant 56. Identifiers: MedGen C4693389, MONDO:0030922, OMIM 617854.

Submission:

Juno Genomics, Hangzhou Juno Genomics, Inc
Classification: Pathogenic for Intellectual developmental disorder, autosomal dominant 56. Review status: criteria provided, single submitter. Criteria: ACMG Guidelines, 2015. Collection method: clinical testing. Allele origin: germline. Affected: yes.
Comment: Absent from controls (or at extremely low frequency if recessive) in Genome Aggregation Database, Exome Sequencing Project, 1000 Genomes Project, or Exome Aggregation Consortium.;De novo (both maternity and paternity confirmed) in a patient with the disease and no family history.;Null variant in a gene where loss of function (LOF) is a known mechanism of disease.

NM_004859.4(CLTC):c.1647_1653del

Gene: CLTC (clathrin heavy chain; plus strand). Cytogenetic location: 17q23.1.
Variant type: Microsatellite.
Coding change: c.1647_1653del on transcript NM_004859.4 (MANE Select); coding-DNA positions 1647 to 1653, 7 bases deleted (TGTAGAT; older notation c.1647_1653delTGTAGAT).
Molecular consequence: splice acceptor variant.
Genome position (GRCh38, 1-based): chr17:59,666,105-59,666,111, TGTAGAT deleted; deleting any 7 consecutive bases within chr17:59,666,097-59,666,111 gives the same sequence; the c. name uses the placement nearest the transcript's 3' end. VCF-style (leftmost placement, unchanged base first): chr17-59666096-TTTGTAGA-T. GRCh37 (hg19) VCF-style: chr17-57743457-TTTGTAGA-T.
Identifiers: ClinVar variation 3382699 (VCV003382699.2).
Genomic context (GRCh38, chr17:59,666,096, plus strand): 5'-TGCATAATTTTGTCTACATACTCTCCATAGTATCTTAAAACAATTTCTTTTAAATCTTTT[TTTGTAGA>T]TTGTAGATGTCTTTATGGAATACAATCTAATTCAGCAGTGTACTGCATTCTTGCTTGATG-3'